The following is an entry in ClinVar:

NM_017612.5(ZCCHC8):c.236G>A (p.Arg79Gln)

Gene: ZCCHC8 (zinc finger CCHC-type containing 8; minus strand). Cytogenetic location: 12q24.31.
Variant type: single nucleotide variant.
Coding change: c.236G>A on transcript NM_017612.5 (MANE Select); coding-DNA position 236, G replaced by A.
Protein change: p.Arg79Gln; replaces arginine 79 with glutamine.
Molecular consequence: missense variant. On other transcripts: 5 prime UTR variant (2), intron variant (1).
Genome position (GRCh38, 1-based): chr12:122,498,833, C>T on the plus strand (G>A on the coding strand, the complement: ZCCHC8 is on the minus strand). VCF-style: chr12-122498833-C-T. GRCh37 (hg19) VCF-style: chr12-122983380-C-T.
Other names: c.236G>A, p.Arg79Gln (NM_001350935.2); c.-309G>A (NM_001350937.2); c.-203G>A (NM_001350938.2); c.-56+1140G>A (NM_001350936.2); short protein forms R79Q.
Identifiers: ClinVar variation 4760209 (VCV004760209.1).

ClinVar aggregate classification (germline): Uncertain significance (1 of 4 stars; one submission).

gnomAD v4.1: 11 of 1,613,132 alleles (0.00068%); highest among the groups gnomAD compares: African/African-American, 0.013%; no homozygotes.

Submission:

Labcorp Genetics (formerly Invitae), Labcorp
Classification: Uncertain significance. Last evaluated: 2025-10-03. Review status: criteria provided, single submitter. Criteria: Invitae Variant Classification Sherloc (09022015). Collection method: clinical testing. Allele origin: germline.
Comment: This sequence change replaces arginine, which is basic and polar, with glutamine, which is neutral and polar, at codon 79 of the ZCCHC8 protein (p.Arg79Gln). This variant is present in population databases (rs747163693, gnomAD 0.03%). This variant has not been reported in the literature in individuals affected with ZCCHC8-related conditions. Invitae Evidence Modeling of protein sequence and biophysical properties (such as structural, functional, and spatial information, amino acid conservation, physicochemical variation, residue mobility, and thermodynamic stability) indicates that this missense variant is not expected to disrupt ZCCHC8 protein function with a negative predictive value of 80%. In summary, the available evidence is currently insufficient to determine the role of this variant in disease. Therefore, it has been classified as a Variant of Uncertain Significance.